The following is an entry in ClinVar:

ClinVar aggregate classification (germline): Uncertain significance (1 of 4 stars; one submission).

Conditions:
Hereditary cancer-predisposing syndrome. Also called: Neoplastic Syndromes, Hereditary; Tumor predisposition; Hereditary Cancer Syndrome; Hereditary neoplastic syndrome. Identifiers: Orphanet 140162, MedGen C0027672, MeSH D009386, MONDO:0015356.

Submission:

Ambry Genetics
Classification: Uncertain significance for Hereditary cancer-predisposing syndrome. Last evaluated: 2019-03-08. Review status: criteria provided, single submitter. Criteria: Ambry Variant Classification Scheme 2023. Collection method: clinical testing. Allele origin: germline.
Comment: The p.N758T variant (also known as c.2273A>C), located in coding exon 14 of the RAD50 gene, results from an A to C substitution at nucleotide position 2273. The asparagine at codon 758 is replaced by threonine, an amino acid with similar properties. This amino acid position is highly conserved in available vertebrate species. In addition, this alteration is predicted to be tolerated by in silico analysis. Since supporting evidence is limited at this time, the clinical significance of this alteration remains unclear.

NM_005732.4(RAD50):c.2273A>C (p.Asn758Thr)

Gene: RAD50 (RAD50 double strand break repair protein; plus strand). Cytogenetic location: 5q31.1.
Variant type: single nucleotide variant.
Coding change: c.2273A>C on transcript NM_005732.4 (MANE Select); coding-DNA position 2273, A replaced by C.
Protein change: p.Asn758Thr; replaces asparagine 758 with threonine.
Molecular consequence: missense variant.
Genome position (GRCh38, 1-based): chr5:132,603,365, A>C. VCF-style: chr5-132603365-A-C. GRCh37 (hg19) VCF-style: chr5-131939057-A-C.
Other names: short protein forms N758T.
Identifiers: ClinVar variation 820928 (VCV000820928.4), dbSNP rs147568421, ClinGen allele CA360954223.